The following is an entry in ClinVar:

NM_007294.4(BRCA1):c.2050C>A (p.Pro684Thr)

Gene: BRCA1 (BRCA1 DNA repair associated; minus strand). Cytogenetic location: 17q21.31.
Variant type: single nucleotide variant.
Coding change: c.2050C>A on transcript NM_007294.4 (MANE Select); coding-DNA position 2050, C replaced by A.
Protein change: p.Pro684Thr; replaces proline 684 with threonine.
Molecular consequence: missense variant. On other transcripts: intron variant (137).
Genome position (GRCh38, 1-based): chr17:43,093,481, G>T on the plus strand (C>A on the coding strand, the complement: BRCA1 is on the minus strand). VCF-style: chr17-43093481-G-T. GRCh37 (hg19) VCF-style: chr17-41245498-G-T.
Other names: c.1837C>A, p.Pro613Thr (NM_001407571.1, NM_001407853.1, NM_001407894.1 and 9 more transcripts); c.2050C>A, p.Pro684Thr (NM_001407581.1, NM_001407582.1, NM_001407583.1 and 30 more transcripts); c.2047C>A, p.Pro683Thr (NM_001407587.1, NM_001407590.1, NM_001407591.1 and 22 more transcripts); c.2041C>A, p.Pro681Thr (NM_001407646.1, NM_001407647.1); c.1927C>A, p.Pro643Thr (NM_001407648.1, NM_001407664.1, NM_001407665.1 and 19 more transcripts); c.1924C>A, p.Pro642Thr (NM_001407649.1, NM_001407670.1, NM_001407671.1 and 11 more transcripts); c.1972C>A, p.Pro658Thr (NM_001407653.1, NM_001407654.1, NM_001407655.1 and 4 more transcripts); c.1969C>A, p.Pro657Thr (NM_001407659.1, NM_001407660.1, NM_001407661.1 and 1 more transcripts); and 40 more; short protein forms P684T, P637T, P572T, P616T, P642T, P657T, P658T, P681T.
Identifiers: ClinVar variation 187671 (VCV000187671.8), dbSNP rs397508934, ClinGen allele CA001359.
Genomic context (GRCh38, chr17:43,093,481, plus strand): 5'-TTGTTAACTTCAGCTCTGGGAAAGTATCGCTGTCATGTCTTTTACTTGTCTGTTCATTTG[G>T]CTTGTTACTCTTCTTGGCTCCAGTTGCAGGTTCTTTACCTTCCATGAGTTGTAGGTTTCT-3'
Protein context (NP_009225.1, residues 674-694): PATGAKKSNK[Pro684Thr]NEQTSKRHDS

ClinVar aggregate classification (germline): Conflicting classifications of pathogenicity. Review status: criteria provided, conflicting classifications (1 of 4 stars). 2 submissions from 2 submitters: Uncertain significance (1); Likely benign (1). Last evaluated 2023-03-23.

Conditions:
Hereditary cancer-predisposing syndrome. Also called: Neoplastic Syndromes, Hereditary; Tumor predisposition; Hereditary Cancer Syndrome; Hereditary neoplastic syndrome. Identifiers: Orphanet 140162, MedGen C0027672, MeSH D009386, MONDO:0015356.

Submissions (2):

University of Washington Department of Laboratory Medicine, University of Washington
Classification: Likely benign for Hereditary cancer-predisposing syndrome. Last evaluated: 2023-03-23. Review status: criteria provided, single submitter. Criteria: Dines et al. (Genet Med. 2020). Collection method: curation. Allele origin: germline.
Comment: Missense variant in a coldspot region where missense variants are very unlikely to be pathogenic (PMID:31911673).

BRCA1 coldspot (exon 11 using historical exon numbering). Reclassification based on statistical prior probability

Ambry Genetics
Classification: Uncertain significance for Hereditary cancer-predisposing syndrome. Last evaluated: 2014-12-31. Review status: criteria provided, single submitter. Criteria: Ambry Variant Classification Scheme 2023. Collection method: clinical testing. Allele origin: germline.
Comment: The p.P684T variant (also known as c.2050C>A and 2169C>A), located in coding exon 9 of the BRCA1 gene, results from a C to A substitution at nucleotide position 2050. The proline at codon 684 is replaced by threonine, an amino acid with highly similar properties. This variant was not reported in population based cohorts in the following databases: Database of Single Nucleotide Polymorphisms (dbSNP), NHLBI Exome Sequencing Project (ESP), and 1000 Genomes Project. In the ESP, this variant was not observed in 6502 samples (13004 alleles) with coverage at this position. To date, this alteration has been detected with an allele frequency of approximately 0.001% (greater than 105000 alleles tested) in our clinical cohort. This amino acid position is not well conserved in available vertebrate species. In addition, the in silico prediction for this alteration is inconclusive. Since supporting evidence is limited at this time, the clinical significance of p.P684T remains unclear.